The following is an entry in ClinVar:

ClinVar aggregate classification (germline): Uncertain significance. Review status: criteria provided, multiple submitters, no conflicts (2 of 4 stars). 2 submissions from 2 submitters: Uncertain significance (2). Last evaluated 2025-02-24.

Conditions:
Progressive myoclonic epilepsy. Also called: Myoclonus epilepsy; Myoclonic Epilepsies, Progressive; Familial progressive myoclonic epilepsy; Progressive myoclonus epilepsy. Identifiers: Orphanet 308, Orphanet 98261, MedGen C0751778, MONDO:0020074.

Allele frequency attached by ClinVar (database versions not stated): gnomAD 0.00001; TOPMed 0.00002; gnomAD exomes 0.00005; ExAC 0.00016.
gnomAD v4.1: 13 of 1,537,496 alleles (0.00085%); highest among the groups gnomAD compares: East Asian, 0.025%; no homozygotes.

Submissions (2):

Labcorp Genetics (formerly Invitae), Labcorp
Classification: Uncertain significance for Progressive myoclonic epilepsy. Last evaluated: 2025-02-24. Review status: criteria provided, single submitter. Criteria: Invitae Variant Classification Sherloc (09022015). Collection method: clinical testing. Allele origin: germline.
Comment: This sequence change replaces arginine, which is basic and polar, with glutamine, which is neutral and polar, at codon 91 of the EPM2A protein (p.Arg91Gln). The frequency data for this variant in the population databases is considered unreliable, as metrics indicate poor data quality at this position in the gnomAD database. This variant has not been reported in the literature in individuals affected with EPM2A-related conditions. ClinVar contains an entry for this variant (Variation ID: 580227). Invitae Evidence Modeling of protein sequence and biophysical properties (such as structural, functional, and spatial information, amino acid conservation, physicochemical variation, residue mobility, and thermodynamic stability) has been performed for this missense variant. However, the output from this modeling did not meet the statistical confidence thresholds required to predict the impact of this variant on EPM2A protein function. This variant disrupts the p.Arg91 amino acid residue in EPM2A. Other variant(s) that disrupt this residue have been determined to be pathogenic (internal data). This suggests that this residue is clinically significant, and that variants that disrupt this residue are likely to be disease-causing. In summary, the available evidence is currently insufficient to determine the role of this variant in disease. Therefore, it has been classified as a Variant of Uncertain Significance.

Blueprint Genetics
Classification: Uncertain significance. Last evaluated: 2019-12-09. Review status: criteria provided, single submitter. Criteria: ACMG Guidelines, 2015. Collection method: clinical testing. Allele origin: germline.

NM_005670.4(EPM2A):c.272G>A (p.Arg91Gln)

Genes: EPM2A (EPM2A glucan phosphatase, laforin; minus strand), EPM2A-DT (EPM2A divergent transcript; plus strand), LOC129997381 (ATAC-STARR-seq lymphoblastoid silent region 17642; plus strand). Cytogenetic location: 6q24.3.
Variant type: single nucleotide variant.
Coding change: c.272G>A on transcript NM_005670.4 (MANE Select); coding-DNA position 272, G replaced by A.
Protein change: p.Arg91Gln; replaces arginine 91 with glutamine.
Molecular consequence: missense variant. On other transcripts: 5 prime UTR variant (2), intron variant (2).
Genome position (GRCh38, 1-based): chr6:145,735,227, C>T on the plus strand (G>A on the coding strand, the complement: EPM2A is on the minus strand). VCF-style: chr6-145735227-C-T. GRCh37 (hg19) VCF-style: chr6-146056363-C-T.
Other names: c.272G>A, p.Arg91Gln (NM_001018041.2, NM_001360057.2, NM_001368130.1); c.-398G>A (NM_001360071.2); c.-352G>A (NM_001368129.2); c.-114+681G>A (NM_001360064.2); c.-114+18G>A (NM_001368131.1); short protein forms R91Q.
Identifiers: ClinVar variation 580227 (VCV000580227.10), dbSNP rs767203075, ClinGen allele CA4035226.